The following is an entry in ClinVar:

NM_012268.4(PLD3):c.662G>C (p.Trp221Ser)

Gene: PLD3 (phospholipase D family member 3; plus strand). Cytogenetic location: 19q13.2.
Variant type: single nucleotide variant.
Coding change: c.662G>C on transcript NM_012268.4 (MANE Select); coding-DNA position 662, G replaced by C.
Protein change: p.Trp221Ser; replaces tryptophan 221 with serine.
Molecular consequence: missense variant.
Genome position (GRCh38, 1-based): chr19:40,370,221, G>C. VCF-style: chr19-40370221-G-C. GRCh37 (hg19) VCF-style: chr19-40876128-G-C.
Other names: c.662G>C, p.Trp221Ser (NM_001031696.4, NM_001291311.2); short protein forms W221S.
Identifiers: ClinVar variation 4987541 (VCV004987541.1).

ClinVar aggregate classification (germline): Uncertain significance (1 of 4 stars; one submission).

Conditions:
PLD3-related disorder. Also called: PLD3-related condition.

gnomAD v4.1: 1 of 1,613,660 alleles (0.000062%); no homozygotes.

Submission:

PreventionGenetics, part of Exact Sciences
Classification: Uncertain significance for PLD3-related condition. Last evaluated: 2025-01-17. Review status: criteria provided, single submitter. Criteria: ACMG Guidelines, 2015. Collection method: clinical testing. Allele origin: germline.
Comment: The PLD3 c.662G>C variant is predicted to result in the amino acid substitution p.Trp221Ser. To our knowledge, this variant has not been reported in the literature or in a large population database (gnomAD), indicating this variant is rare. At this time, the clinical significance of this variant is uncertain due to the absence of conclusive functional and genetic evidence.